The following is an entry in ClinVar:

NM_052874.5(STX1B):c.510C>G (p.Ser170Arg)

Gene: STX1B (syntaxin 1B; minus strand). Cytogenetic location: 16p11.2.
Variant type: single nucleotide variant.
Coding change: c.510C>G on transcript NM_052874.5 (MANE Select); coding-DNA position 510, C replaced by G.
Protein change: p.Ser170Arg; replaces serine 170 with arginine.
Molecular consequence: missense variant.
Genome position (GRCh38, 1-based): chr16:30,996,710, G>C on the plus strand (C>G on the coding strand, the complement: STX1B is on the minus strand). VCF-style: chr16-30996710-G-C. GRCh37 (hg19) VCF-style: chr16-31008031-G-C.
Other names: short protein forms S170R.
Identifiers: ClinVar variation 2753692 (VCV002753692.3), dbSNP rs1487137106, ClinGen allele CA395648700.

ClinVar aggregate classification (germline): Uncertain significance (1 of 4 stars; one submission).

Conditions:
Generalized epilepsy with febrile seizures plus, type 9 (GEFSP9). Also called: GEFS+, TYPE 9. Identifiers: Orphanet 36387, MedGen C4015395, MONDO:0014517, OMIM 616172.

Submission:

Labcorp Genetics (formerly Invitae), Labcorp
Classification: Uncertain significance for Generalized epilepsy with febrile seizures plus, type 9. Last evaluated: 2023-08-18. Review status: criteria provided, single submitter. Criteria: Invitae Variant Classification Sherloc (09022015). Collection method: clinical testing. Allele origin: germline.
Comment: This sequence change replaces serine, which is neutral and polar, with arginine, which is basic and polar, at codon 170 of the STX1B protein (p.Ser170Arg). In summary, the available evidence is currently insufficient to determine the role of this variant in disease. Therefore, it has been classified as a Variant of Uncertain Significance. Advanced modeling of protein sequence and biophysical properties (such as structural, functional, and spatial information, amino acid conservation, physicochemical variation, residue mobility, and thermodynamic stability) performed at Invitae indicates that this missense variant is not expected to disrupt STX1B protein function. This variant has not been reported in the literature in individuals affected with STX1B-related conditions. This variant is not present in population databases (gnomAD no frequency).